The following is an entry in ClinVar:

ClinVar aggregate classification (germline): Uncertain significance. Review status: criteria provided, multiple submitters, no conflicts (2 of 4 stars). 3 submissions from 3 submitters: Uncertain significance (3). Last evaluated 2024-02-17.

Conditions:
Niemann-Pick disease, type C1. Also called: NEUROVISCERAL STORAGE DISEASE WITH VERTICAL SUPRANUCLEAR OPHTHALMOPLEGIA; NIEMANN-PICK DISEASE WITH CHOLESTEROL ESTERIFICATION BLOCK; NIEMANN-PICK DISEASE WITHOUT SPHINGOMYELINASE DEFICIENCY; NIEMANN-PICK DISEASE, CHRONIC NEURONOPATHIC FORM; NIEMANN-PICK DISEASE, VARIANT TYPE C1. Identifiers: Orphanet 646, MedGen C3179455, MONDO:0009757, OMIM 257220.

Allele frequency attached by ClinVar (database versions not stated): gnomAD exomes 0.00003; ExAC 0.00004; gnomAD 0.00004; TOPMed 0.00013; 1000 Genomes Project 30x 0.00016; 1000 Genomes Project 0.00020; ESP Exome Variant Server 0.00023.
gnomAD v4.1: 16 of 1,593,412 alleles (0.001%); highest among the groups gnomAD compares: African/African-American, 0.02%; no homozygotes.

Submissions (3):

Labcorp Genetics (formerly Invitae), Labcorp
Classification: Uncertain significance for Niemann-Pick disease, type C1. Last evaluated: 2024-02-17. Review status: criteria provided, single submitter. Criteria: Invitae Variant Classification Sherloc (09022015). Collection method: clinical testing. Allele origin: germline.
Comment: This sequence change falls in intron 19 of the NPC1 gene. It does not directly change the encoded amino acid sequence of the NPC1 protein. It affects a nucleotide within the consensus splice site. This variant is present in population databases (rs186588103, gnomAD 0.04%). This variant has not been reported in the literature in individuals affected with NPC1-related conditions. ClinVar contains an entry for this variant (Variation ID: 594633). Variants that disrupt the consensus splice site are a relatively common cause of aberrant splicing (PMID: 17576681, 9536098). Algorithms developed to predict the effect of sequence changes on RNA splicing suggest that this variant is not likely to affect RNA splicing. In summary, the available evidence is currently insufficient to determine the role of this variant in disease. Therefore, it has been classified as a Variant of Uncertain Significance.

Women's Health and Genetics/Laboratory Corporation of America, LabCorp
Classification: Uncertain significance. Last evaluated: 2023-02-15. Review status: criteria provided, single submitter. Criteria: LabCorp Variant Classification Summary - May 2015. Collection method: clinical testing. Allele origin: germline.
Comment: Variant summary: NPC1 c.2911+4C>T alters a non-conserved nucleotide located close to a canonical splice site and therefore could affect mRNA splicing, leading to a significantly altered protein sequence. 4/4 computational tools predict no significant impact on normal splicing. However, these predictions have yet to be confirmed by functional studies. The variant allele was found at a frequency of 2.8e-05 in 250636 control chromosomes. The available data on variant occurrences in the general population are insufficient to allow any conclusion about variant significance. To our knowledge, no occurrence of c.2911+4C>T in individuals affected with Niemann-Pick Disease Type C and no experimental evidence demonstrating its impact on protein function have been reported. Two clinical diagnostic laboratories have submitted clinical-significance assessments for this variant to ClinVar after 2014 without evidence for independent evaluation, and both classified the variant as uncertain significance. Based on the evidence outlined above, the variant was classified as uncertain significance.

Eurofins Ntd Llc (ga)
Classification: Uncertain significance. Last evaluated: 2017-10-18. Review status: criteria provided, single submitter. Criteria: EGL Classification Definitions 2015. Collection method: clinical testing. Allele origin: germline. Observed: 1 variant allele, 1 heterozygote.

Literature cited by the submitters: PubMed 17576681 (cited by Labcorp Genetics (formerly Invitae), Labcorp); PubMed 9536098 (cited by Labcorp Genetics (formerly Invitae), Labcorp); PubMed 25764212 (cited by Women's Health and Genetics/Laboratory Corporation of America, LabCorp).

NM_000271.5(NPC1):c.2911+4C>T

Gene: NPC1 (NPC intracellular cholesterol transporter 1; minus strand). Cytogenetic location: 18q11.2.
Variant type: single nucleotide variant.
Coding change: c.2911+4C>T on transcript NM_000271.5 (MANE Select); 4 bases into the intron after coding-DNA position 2911, C replaced by T.
Molecular consequence: intron variant.
Genome position (GRCh38, 1-based): chr18:23,539,351, G>A on the plus strand (C>T on the coding strand, the complement: NPC1 is on the minus strand). VCF-style: chr18-23539351-G-A. GRCh37 (hg19) VCF-style: chr18-21119315-G-A.
Other names: c.2911+4C>T (NM_000271.4).
Identifiers: ClinVar variation 594633 (VCV000594633.9), dbSNP rs186588103, ClinGen allele CA8912935.